The following is an entry in ClinVar:

NM_000426.4(LAMA2):c.4092A>C (p.Gln1364His)

Gene: LAMA2 (laminin subunit alpha 2; plus strand). Cytogenetic location: 6q22.33.
Variant type: single nucleotide variant.
Coding change: c.4092A>C on transcript NM_000426.4 (MANE Select); coding-DNA position 4092, A replaced by C.
Protein change: p.Gln1364His; replaces glutamine 1364 with histidine.
Molecular consequence: missense variant.
Genome position (GRCh38, 1-based): chr6:129,320,571, A>C. VCF-style: chr6-129320571-A-C. GRCh37 (hg19) VCF-style: chr6-129641716-A-C.
Other names: p.Gln1364His; c.4092A>C, p.Gln1364His (NM_001079823.2); c.4092A>C (NM_000426.3); short protein forms Q1364H.
Identifiers: ClinVar variation 1496449 (VCV001496449.5), dbSNP rs1774905120, ClinGen allele CA365612568.

ClinVar aggregate classification (germline): Uncertain significance. Review status: criteria provided, multiple submitters, no conflicts (2 of 4 stars). 3 submissions from 3 submitters: Uncertain significance (3). Last evaluated 2024-11-12.

Conditions:
Inborn genetic diseases. Identifiers: MedGen C0950123, MeSH D030342.
LAMA2-related muscular dystrophy (LAMA2-RD). Also called: Laminin alpha 2-related dystrophy. Identifiers: MedGen C5679788, MONDO:0100228.

Allele frequency attached by ClinVar (database versions not stated): gnomAD exomes below 0.00001; TOPMed below 0.00001.
gnomAD v4.1: 6 of 1,613,038 alleles (0.00037%); highest among the groups gnomAD compares: Non-Finnish European, 0.00042%; no homozygotes.

Submissions (3):

Ambry Genetics
Classification: Uncertain significance for Inborn genetic diseases. Last evaluated: 2024-11-12. Review status: criteria provided, single submitter. Criteria: Ambry Variant Classification Scheme 2023. Collection method: clinical testing. Allele origin: germline.

Mayo Clinic Laboratories, Mayo Clinic
Classification: Uncertain significance. Last evaluated: 2024-02-16. Review status: criteria provided, single submitter. Criteria: ACMG Guidelines, 2015. Collection method: clinical testing. Allele origin: germline. Observed: 1 variant allele.
Comment: BP4

Labcorp Genetics (formerly Invitae), Labcorp
Classification: Uncertain significance for LAMA2-related muscular dystrophy. Last evaluated: 2022-06-05. Review status: criteria provided, single submitter. Criteria: Invitae Variant Classification Sherloc (09022015). Collection method: clinical testing. Allele origin: germline.
Comment: This sequence change replaces glutamine, which is neutral and polar, with histidine, which is basic and polar, at codon 1364 of the LAMA2 protein (p.Gln1364His). This variant is not present in population databases (gnomAD no frequency). This variant has not been reported in the literature in individuals affected with LAMA2-related conditions. ClinVar contains an entry for this variant (Variation ID: 1496449). Advanced modeling of protein sequence and biophysical properties (such as structural, functional, and spatial information, amino acid conservation, physicochemical variation, residue mobility, and thermodynamic stability) performed at Invitae indicates that this missense variant is not expected to disrupt LAMA2 protein function. In summary, the available evidence is currently insufficient to determine the role of this variant in disease. Therefore, it has been classified as a Variant of Uncertain Significance.